The following is an entry in ClinVar:

ClinVar aggregate classification (germline): Uncertain significance (1 of 4 stars; one submission).

Allele frequency attached by ClinVar (database versions not stated): TOPMed 0.00001; gnomAD exomes 0.00002 and 0.00003; ExAC 0.00004; ESP Exome Variant Server 0.00008.
gnomAD v4.1: 22 of 1,614,006 alleles (0.0014%); highest among the groups gnomAD compares: South Asian, 0.015%; 1 homozygote.

Submission:

GeneDx
Classification: Uncertain significance. Last evaluated: 2017-07-13. Review status: criteria provided, single submitter. Criteria: GeneDx Variant Classification (06012015). Collection method: clinical testing. Allele origin: germline. Affected: yes.
Comment: The L597S variant in the PCNT gene has not been reported previously as a pathogenic variant, nor as a benign variant, to our knowledge. The L597S variant is observed in 3/16500 (0.018%) alleles from individuals of South Asian background and in 2/66170 (0.003%) alleles from individuals of non-Finnish European background, in the ExAC dataset (Lek et al., 2016). The L597S variant is a non-conservative amino acid substitution, which is likely to impact secondary protein structure as these residues differ in polarity, charge, size and/or other properties. This substitution occurs at a position that is not conserved. In silico analysis is inconsistent in its predictions as to whether or not the variant is damaging to the protein structure/function. We interpret L597S as a variant of uncertain significance.

NM_006031.6(PCNT):c.1790T>C (p.Leu597Ser)

Gene: PCNT (pericentrin; plus strand). Cytogenetic location: 21q22.3.
Variant type: single nucleotide variant.
Coding change: c.1790T>C on transcript NM_006031.6 (MANE Select); coding-DNA position 1790, T replaced by C.
Protein change: p.Leu597Ser; replaces leucine 597 with serine.
Molecular consequence: missense variant.
Genome position (GRCh38, 1-based): chr21:46,355,480, T>C. VCF-style: chr21-46355480-T-C. GRCh37 (hg19) VCF-style: chr21-47775395-T-C.
Other names: c.1436T>C, p.Leu479Ser (NM_001315529.2); short protein forms L597S, L479S.
Identifiers: ClinVar variation 450373 (VCV000450373.2), dbSNP rs371296160, ClinGen allele CA10078769.